The following is an entry in ClinVar:

NM_000834.5(GRIN2B):c.1832G>T (p.Gly611Val)

Gene: GRIN2B (glutamate ionotropic receptor NMDA type subunit 2B; minus strand). Cytogenetic location: 12p13.1.
Variant type: single nucleotide variant.
Coding change: c.1832G>T on transcript NM_000834.5 (MANE Select); coding-DNA position 1832, G replaced by T.
Protein change: p.Gly611Val; replaces glycine 611 with valine.
Molecular consequence: missense variant.
Genome position (GRCh38, 1-based): chr12:13,608,781, C>A on the plus strand (G>T on the coding strand, the complement: GRIN2B is on the minus strand). VCF-style: chr12-13608781-C-A. GRCh37 (hg19) VCF-style: chr12-13761715-C-A.
Other names: short protein forms G611V.
Identifiers: ClinVar variation 205730 (VCV000205730.10), dbSNP rs1555110843, ClinGen allele CA315087.

ClinVar aggregate classification (germline): Pathogenic/Likely pathogenic. Review status: criteria provided, multiple submitters, no conflicts (2 of 4 stars). 3 submissions from 3 submitters: Pathogenic (2); Likely pathogenic (1). Last evaluated 2022-09-02.

Conditions:
GRIN2B-related disorder. Also called: GRIN2B-related condition.
Complex neurodevelopmental disorder. Identifiers: Orphanet 528084, MedGen C5568766, MONDO:0100038.
Intellectual developmental disorder, autosomal dominant 6, with or without seizures. Also called: Intellectual disability, autosomal dominant 6; GRIN2B-related developmental delay, intellectual disability and autism spectrum disorder. Identifiers: Orphanet 589547, MedGen C3151411, MONDO:0013509, OMIM 613970.
Developmental and epileptic encephalopathy, 27 (DEE27). Also called: Epileptic encephalopathy, early infantile, 27; GRIN2B-Related Neurodevelopmental Disorder. Identifiers: Orphanet 3451, MedGen C4015316, MONDO:0014505, OMIM 616139.

Submissions (3):

Labcorp Genetics (formerly Invitae), Labcorp
Classification: Pathogenic for Developmental and epileptic encephalopathy, 27; Intellectual developmental disorder, autosomal dominant 6, with or without seizures. Last evaluated: 2022-09-02. Review status: criteria provided, single submitter. Criteria: Invitae Variant Classification Sherloc (09022015). Collection method: clinical testing. Allele origin: germline.
Comment: Experimental studies have shown that this missense change affects GRIN2B function (PMID: 28377535, 31429998). For these reasons, this variant has been classified as Pathogenic. This variant disrupts the p.Gly611 amino acid residue in GRIN2B. Other variant(s) that disrupt this residue have been determined to be pathogenic (Invitae). This suggests that this residue is clinically significant, and that variants that disrupt this residue are likely to be disease-causing. Advanced modeling of protein sequence and biophysical properties (such as structural, functional, and spatial information, amino acid conservation, physicochemical variation, residue mobility, and thermodynamic stability) performed at Invitae indicates that this missense variant is expected to disrupt GRIN2B protein function. ClinVar contains an entry for this variant (Variation ID: 205730). This missense change has been observed in individual(s) with clinical features of GRIN2B-related conditions (PMID: 28377535). In at least one individual the variant was observed to be de novo. This variant is not present in population databases (gnomAD no frequency). This sequence change replaces glycine, which is neutral and non-polar, with valine, which is neutral and non-polar, at codon 611 of the GRIN2B protein (p.Gly611Val).

Blueprint Genetics
Classification: Pathogenic for GRIN2B-related disorders. Last evaluated: 2022-05-16. Review status: criteria provided, single submitter. Criteria: ACMG Guidelines, 2015. Collection method: clinical testing. Allele origin: de novo. Affected: yes. Observed: 1 variant allele.

Institute of Human Genetics, University of Leipzig Medical Center
Classification: Likely pathogenic for Intellectual developmental disorder, autosomal dominant 6, with or without seizures. Last evaluated: 2017-04-04. Review status: criteria provided, single submitter. Criteria: ACMG Guidelines, 2015. Collection method: clinical testing. Allele origin: de novo. Affected: yes.
Comment: This variant was identified as de novo (maternity and paternity confirmed).

Literature cited by the submitters: PubMed 28377535 (cited by Labcorp Genetics (formerly Invitae), Labcorp and Institute of Human Genetics, University of Leipzig Medical Center); PubMed 31429998 (cited by Labcorp Genetics (formerly Invitae), Labcorp).